The following is an entry in ClinVar:

NM_000186.4(CFH):c.428-430T>G

Gene: CFH (complement factor H; plus strand). Cytogenetic location: 1q31.3.
Variant type: single nucleotide variant.
Coding change: c.428-430T>G on transcript NM_000186.4 (MANE Select); 430 bases into the intron before coding-DNA position 428, T replaced by G.
Molecular consequence: intron variant.
Genome position (GRCh38, 1-based): chr1:196,677,046, T>G. VCF-style: chr1-196677046-T-G. GRCh37 (hg19) VCF-style: chr1-196646176-T-G.
Other names: c.428-430T>G (NM_001014975.3).
Identifiers: ClinVar variation 4291695 (VCV004291695.1).

ClinVar aggregate classification (germline): Benign (1 of 4 stars; one submission).

Conditions:
Atypical hemolytic-uremic syndrome. Identifiers: Orphanet 2134, MedGen C2931788, MONDO:0016244.
Basal laminar drusen. Also called: DRUSEN OF BRUCH MEMBRANE; DRUSEN, CUTICULAR; DRUSEN, EARLY ADULT-ONSET, GROUPED. Identifiers: Orphanet 75376, MedGen C0730295, MONDO:0007472, OMIM 126700.
Factor H deficiency (CFHD). Also called: COMPLEMENT FACTOR H DEFICIENCY; CFH DEFICIENCY. Identifiers: Orphanet 200421, MedGen C0398777, MONDO:0012350, OMIM 609814.
Age related macular degeneration 4. Identifiers: MedGen C1853147, MONDO:0012540, OMIM 610698.

gnomAD v4.1: 106,214 of 160,712 alleles (66%); highest among the groups gnomAD compares: East Asian, 95%; 35,672 homozygotes.

Submission:

Genomenon, Inc
Classification: Benign for Basal laminar drusen; Age related macular degeneration 4; Atypical hemolytic-uremic syndrome; Factor H deficiency. Last evaluated: 2025-10-02. Review status: criteria provided, single submitter. Criteria: Genomenon Sequence Variant Interpretation Standards - Updated. Collection method: curation. Allele origin: germline. Affected: no.
Comment: CFH c.428-430T>G is a deep intronic variant located in intron 4. This variant is present at high allele frequency in population databases. In conclusion, we classify CFH c.428-430T>G as a benign variant.